The following is an entry in ClinVar:

NM_003239.5(TGFB3):c.373A>G (p.Lys125Glu)

Gene: TGFB3 (transforming growth factor beta 3; minus strand). Cytogenetic location: 14q24.3.
Variant type: single nucleotide variant.
Coding change: c.373A>G on transcript NM_003239.5 (MANE Select); coding-DNA position 373, A replaced by G.
Protein change: p.Lys125Glu; replaces lysine 125 with glutamic acid.
Molecular consequence: missense variant.
Genome position (GRCh38, 1-based): chr14:75,971,698, T>C on the plus strand (A>G on the coding strand, the complement: TGFB3 is on the minus strand). VCF-style: chr14-75971698-T-C. GRCh37 (hg19) VCF-style: chr14-76438041-T-C.
Other names: c.373A>G, p.Lys125Glu (NM_001329938.2, NM_001329939.2); short protein forms K125E.
Identifiers: ClinVar variation 4883041 (VCV004883041.2).

ClinVar aggregate classification (germline): Uncertain significance (1 of 4 stars; one submission).

Submission:

Dasa
Classification: Uncertain significance. Last evaluated: 2026-04-07. Review status: criteria provided, single submitter. Criteria: DASA Assertion Criteria. Collection method: clinical testing. Allele origin: germline.
Comment: NM_003239.5(TGFB3):c.373A>G (p.Lys125Glu) is a missense variant that results in the substitution of lysine with glutamic acid. This variant is rare in population databases. The currently available literature and clinical evidence are not sufficient to establish a definitive association between this variant and the reported condition. Therefore, this variant is classified as a variant of uncertain significance.